The following is an entry in ClinVar:

ClinVar aggregate classification (germline): Pathogenic/Likely pathogenic. Review status: criteria provided, multiple submitters, no conflicts (2 of 4 stars). 4 submissions from 4 submitters: Pathogenic (1); Likely pathogenic (2). 1 of the submissions does not count toward it. Last evaluated 2025-10-06.

Conditions:
Maple syrup urine disease type 1A (MSUD1A). Also called: MSUD type 1A. Identifiers: MedGen C1855369, MONDO:0023691, OMIM 248600.
Maple syrup urine disease (MSUD). Identifiers: Orphanet 511, MedGen C0024776, MeSH D008375, MONDO:0009563. Disease mechanism: loss of function.

gnomAD v4.1: 10 of 1,614,170 alleles (0.00062%); highest among the groups gnomAD compares: Non-Finnish European, 0.00085%; no homozygotes.

Submissions (4):

Natera, Inc.
Classification: Likely pathogenic for Maple syrup urine disease type 1A. Last evaluated: 2025-10-06. Review status: criteria provided, single submitter. Criteria: Natera Variant Classification Schema (03/2026). Collection method: clinical testing. Allele origin: germline.
Comment: The c.794G>C variant in BCKDHA is a missense variant predicted to cause substitution of arginine to proline at amino acid 265. This variant is rare in the general population with a frequency below the threshold expected for the associated phenotype(s). This variant has been observed in one or more individuals affected with the associated recessive disease, as either homozygous or compound heterozygous with a second variant (PMID: 22727569, 22145486). A different variant at the same position has been determined to be Pathogenic or Likely Pathogenic. Computational prediction algorithms indicate this variant is likely to affect gene or protein function. Given the available evidence, this variant is classified as Likely Pathogenic.

Women's Health and Genetics/Laboratory Corporation of America, LabCorp
Classification: Likely pathogenic for Maple syrup urine disease. Last evaluated: 2025-03-10. Review status: criteria provided, single submitter. Criteria: LabCorp Variant Classification Summary - May 2015. Collection method: clinical testing. Allele origin: germline.
Comment: Variant summary: BCKDHA c.794G>C (p.Arg265Pro) results in a non-conservative amino acid change in the encoded protein sequence. Five of five in-silico tools predict a damaging effect of the variant on protein function. The variant was absent in 251470 control chromosomes (gnomAD). c.794G>C has been reported in the literature in individuals affected with Maple Syrup Urine Disease (Wang_2011, Yang_2012, Chen_2023). These data indicate that the variant may be associated with disease. Other variants (p.Arg265Trp and p.Arg265Gln) affecting the same codon has been classified as pathogenic or likely pathogenic by other submitters in ClinVar, supporting the critical relevance of codon 146 to ASL protein function. To our knowledge, no experimental evidence demonstrating an impact on protein function has been reported. The following publications have been ascertained in the context of this evaluation (PMID: 37421976, 34556729, 22145486, 31112740, 22727569). ClinVar contains an entry for this variant (Variation ID: 556887). Based on the evidence outlined above, the variant was classified as likely pathogenic.

Labcorp Genetics (formerly Invitae), Labcorp
Classification: Pathogenic for Maple syrup urine disease. Last evaluated: 2023-07-26. Review status: criteria provided, single submitter. Criteria: Invitae Variant Classification Sherloc (09022015). Collection method: clinical testing. Allele origin: germline.
Comment: ClinVar contains an entry for this variant (Variation ID: 556887). For these reasons, this variant has been classified as Pathogenic. This variant disrupts the p.Arg265 amino acid residue in BCKDHA. Other variant(s) that disrupt this residue have been determined to be pathogenic (PMID: 31112740, 31980395). This suggests that this residue is clinically significant, and that variants that disrupt this residue are likely to be disease-causing. Advanced modeling of protein sequence and biophysical properties (such as structural, functional, and spatial information, amino acid conservation, physicochemical variation, residue mobility, and thermodynamic stability) performed at Invitae indicates that this missense variant is expected to disrupt BCKDHA protein function. This missense change has been observed in individual(s) with maple syrup urine disease (PMID: 22145486). This variant is not present in population databases (gnomAD no frequency). This sequence change replaces arginine, which is basic and polar, with proline, which is neutral and non-polar, at codon 265 of the BCKDHA protein (p.Arg265Pro).

Counsyl
Classification: Uncertain significance for Maple syrup urine disease type 1A. Last evaluated: 2018-02-26. Review status: no assertion criteria provided. Collection method: clinical testing. Allele origin: unknown. Not counted in ClinVar's aggregate classification.

Literature cited by the submitters: PubMed 22727569 (cited by 3 submitters); PubMed 22145486 (cited by 3 submitters); PubMed 31112740 (cited by Women's Health and Genetics/Laboratory Corporation of America, LabCorp and Labcorp Genetics (formerly Invitae), Labcorp); PubMed 34556729 (cited by Women's Health and Genetics/Laboratory Corporation of America, LabCorp); PubMed 37421976 (cited by Women's Health and Genetics/Laboratory Corporation of America, LabCorp); PubMed 31980395 (cited by Labcorp Genetics (formerly Invitae), Labcorp).

NM_000709.4(BCKDHA):c.794G>C (p.Arg265Pro)

Gene: BCKDHA (branched chain keto acid dehydrogenase E1 subunit alpha; plus strand). Cytogenetic location: 19q13.2.
Variant type: single nucleotide variant.
Coding change: c.794G>C on transcript NM_000709.4 (MANE Select); coding-DNA position 794, G replaced by C.
Protein change: p.Arg265Pro; replaces arginine 265 with proline.
Molecular consequence: missense variant.
Genome position (GRCh38, 1-based): chr19:41,422,311, G>C. VCF-style: chr19-41422311-G-C. GRCh37 (hg19) VCF-style: chr19-41928216-G-C.
Other names: c.794G>C, p.Arg265Pro (NM_001164783.2); short protein forms R265P.
Identifiers: ClinVar variation 556887 (VCV000556887.7), dbSNP rs761996996, ClinGen allele CA308524327.
Genomic context (GRCh38, chr19:41,422,311, plus strand): 5'-ACGCCCATGCCGGCTTCAACTTCGCTGCCACACTTGAGTGCCCCATCATCTTCTTCTGCC[G>C]GAACAATGGCTACGCCATCTCCACGCCCACCTCTGAGCAGTATCGCGGCGATGGCATTGG-3'
Protein context (NP_000700.1, residues 255-275): TLECPIIFFC[Arg265Pro]NNGYAISTPT